The following is an entry in ClinVar:

ClinVar aggregate classification (germline): Uncertain significance (1 of 4 stars; one submission).

Conditions:
Symmetrical dyschromatosis of extremities (DSH). Also called: DYSCHROMATOSIS SYMMETRICA HEREDITARIA 1; RETICULATE ACROPIGMENTATION OF DOHI; SYMMETRIC DYSCHROMATOSIS OF THE EXTREMITIES; Dyschromatosis symmetrica hereditaria. Identifiers: Orphanet 41, MedGen C0406775, MONDO:0007483, OMIM 127400.
Aicardi-Goutieres syndrome 6 (AGS6). Identifiers: Orphanet 51, MedGen C3539013, MONDO:0014007, OMIM 615010.

gnomAD v4.1: 1 of 1,614,140 alleles (0.000062%); highest among the groups gnomAD compares: South Asian, 0.0011%; no homozygotes.

Submission:

Labcorp Genetics (formerly Invitae), Labcorp
Classification: Uncertain significance for Aicardi-Goutieres syndrome 6; Symmetrical dyschromatosis of extremities. Last evaluated: 2024-05-10. Review status: criteria provided, single submitter. Criteria: Invitae Variant Classification Sherloc (09022015). Collection method: clinical testing. Allele origin: germline.
Comment: This sequence change replaces glycine, which is neutral and non-polar, with arginine, which is basic and polar, at codon 946 of the ADAR protein (p.Gly946Arg). This variant is not present in population databases (gnomAD no frequency). This variant has not been reported in the literature in individuals affected with ADAR-related conditions. An algorithm developed to predict the effect of missense changes on protein structure and function (PolyPhen-2) suggests that this variant is likely to be disruptive. In summary, the available evidence is currently insufficient to determine the role of this variant in disease. Therefore, it has been classified as a Variant of Uncertain Significance.

NM_001111.5(ADAR):c.2836G>A (p.Gly946Arg)

Gene: ADAR (adenosine deaminase RNA specific; minus strand). Cytogenetic location: 1q21.3.
Variant type: single nucleotide variant.
Coding change: c.2836G>A on transcript NM_001111.5 (MANE Select); coding-DNA position 2836, G replaced by A.
Protein change: p.Gly946Arg; replaces glycine 946 with arginine.
Molecular consequence: missense variant.
Genome position (GRCh38, 1-based): chr1:154,588,600, C>T on the plus strand (G>A on the coding strand, the complement: ADAR is on the minus strand). VCF-style: chr1-154588600-C-T. GRCh37 (hg19) VCF-style: chr1-154561076-C-T.
Other names: c.1951G>A, p.Gly651Arg (NM_001025107.3, NM_001193495.2, NM_001365046.1 and 2 more transcripts); c.2863G>A, p.Gly955Arg (NM_001365045.1); c.1873G>A, p.Gly625Arg (NM_001365049.1); c.2758G>A, p.Gly920Arg (NM_015840.4); c.2701G>A, p.Gly901Arg (NM_015841.4); short protein forms G625R, G651R, G901R, G920R, G946R, G955R.
Identifiers: ClinVar variation 3753088 (VCV003753088.2).
Genomic context (GRCh38, chr1:154,588,600, plus strand): 5'-ACTGTACAGACCTGATATACAGATGGAATGACACAGTCTTTTTTATTTGGAGCTTTTCTC[C>T]TCCCTTAGCAGGTTCAAATATACTATCCTTCGCAGTCTGGGAGTTGTATTTCATTAACTC-3'
Protein context (NP_001102.3, residues 936-956): KDSIFEPAKG[Gly946Arg]EKLQIKKTVS